The following is an entry in ClinVar:

ClinVar aggregate classification (germline): Likely pathogenic (1 of 4 stars; one submission).

Conditions:
Citrullinemia. Identifiers: Orphanet 187, MedGen C0175683, MONDO:0015991.

Submission:

Labcorp Genetics (formerly Invitae), Labcorp
Classification: Likely pathogenic for Citrullinemia. Last evaluated: 2020-06-18. Review status: criteria provided, single submitter. Criteria: Invitae Variant Classification Sherloc (09022015). Collection method: clinical testing. Allele origin: germline.
Comment: In summary, the currently available evidence indicates that the variant is pathogenic, but additional data are needed to prove that conclusively. Therefore, this variant has been classified as Likely Pathogenic. Donor and acceptor splice site variants typically lead to a loss of protein function (PMID: 16199547), and loss-of-function variants in ASS1 are known to be pathogenic (PMID: 18473344, 19006241). Algorithms developed to predict the effect of sequence changes on RNA splicing suggest that this variant may disrupt the consensus splice site, but this prediction has not been confirmed by published transcriptional studies. This variant has not been reported in the literature in individuals with ASS1-related conditions. This variant is not present in population databases (ExAC no frequency). This sequence change affects a donor splice site in intron 10 of the ASS1 gene. It is expected to disrupt RNA splicing and likely results in an absent or disrupted protein product.

Literature cited by the submitters: PubMed 16199547; PubMed 18473344; PubMed 19006241.

NM_054012.4(ASS1):c.688+2del

Gene: ASS1 (argininosuccinate synthase 1; plus strand). Cytogenetic location: 9q34.11.
Variant type: Deletion.
Coding change: c.688+2del on transcript NM_054012.4 (MANE Select); the canonical splice donor site of the intron after coding-DNA position 688, one base deleted (T; older notation c.688+2delT).
Molecular consequence: splice donor variant.
Genome position (GRCh38, 1-based): chr9:130,476,963, T deleted. VCF-style (leftmost placement, unchanged base first): chr9-130476962-GT-G. GRCh37 (hg19) VCF-style: chr9-133352349-GT-G.
Other names: c.688+2del (NM_000050.4).
Identifiers: ClinVar variation 1066521 (VCV001066521.7), dbSNP rs2118832409, ClinGen allele CA2499219676.